The following is an entry in ClinVar:

GRCh37/hg19 9p24.1(chr9:5304531-5335597)x3

Genes: RLN1 (relaxin 1; minus strand), RLN2 (relaxin 2; minus strand). Cytogenetic location: 9p24.1.
Variant type: copy number gain.
Change: copy number 3 (three copies instead of two) of chr9:5,304,531-5,335,597 (31.1 kb, GRCh37 coordinates, 1-based), cytogenetic band 9p24.1.
Identifiers: ClinVar variation 394740 (VCV000394740.3).

ClinVar aggregate classification (germline): Benign/Likely benign (0 of 4 stars; one submission).

Submission:

ISCA Site 6
Classification: Benign/Likely benign. Review status: no assertion criteria provided. Collection method: clinical testing. Allele origin: unknown. Affected: yes. Observed: 3 variant alleles. Clinical features observed: Developmental delay AND/OR other significant developmental or morphological phenotypes.
Comment: Likely benign (1), Benign (2)

Copy number variation identified through the course of routine clinical cytogenomic testing in postnatal populations, with clinical assertions as classified by the original submitter. For data from the original published study, Kaminsky, et al. 2011 (PubMed 21844811), please see nstd101.